The following is an entry in ClinVar:

NM_016653.3(MAP3K20):c.719A>C (p.His240Pro)

Genes: MAP3K20 (mitogen-activated protein kinase kinase kinase 20; plus strand), MAP3K20-AS1 (MAP3K20 antisense RNA 1; minus strand). Cytogenetic location: 2q31.1.
Variant type: single nucleotide variant.
Coding change: c.719A>C on transcript NM_016653.3 (MANE Select); coding-DNA position 719, A replaced by C.
Protein change: p.His240Pro; replaces histidine 240 with proline.
Molecular consequence: missense variant.
Genome position (GRCh38, 1-based): chr2:173,203,845, A>C. VCF-style: chr2-173203845-A-C. GRCh37 (hg19) VCF-style: chr2-174068573-A-C.
Other names: c.719A>C, p.His240Pro (NM_133646.3); short protein forms H240P.
Identifiers: ClinVar variation 2413754 (VCV002413754.7), dbSNP rs765226062, ClinGen allele CA1970494.

ClinVar aggregate classification (germline): Uncertain significance. Review status: criteria provided, multiple submitters, no conflicts (2 of 4 stars). 2 submissions from 2 submitters: Uncertain significance (2). Last evaluated 2022-06-16.

Allele frequency attached by ClinVar (database versions not stated): ExAC 0.00001; TOPMed 0.00002.
gnomAD v4.1: 4 of 1,613,948 alleles (0.00025%); highest among the groups gnomAD compares: Admixed American, 0.0067%; no homozygotes.

Submissions (2):

Labcorp Genetics (formerly Invitae), Labcorp
Classification: Uncertain significance. Last evaluated: 2022-06-16. Review status: criteria provided, single submitter. Criteria: Invitae Variant Classification Sherloc (09022015). Collection method: clinical testing. Allele origin: germline.
Comment: This variant has not been reported in the literature in individuals affected with MAP3K20-related conditions. In summary, the available evidence is currently insufficient to determine the role of this variant in disease. Therefore, it has been classified as a Variant of Uncertain Significance. Experimental studies and prediction algorithms are not available or were not evaluated, and the functional significance of this variant is currently unknown. This variant is present in population databases (rs765226062, gnomAD 0.009%). This sequence change replaces histidine, which is basic and polar, with proline, which is neutral and non-polar, at codon 240 of the MAP3K20 protein (p.His240Pro).

Breakthrough Genomics
Classification: Uncertain significance. Review status: criteria provided, single submitter. Criteria: ACMG Guidelines, 2015. Collection method: not provided. Allele origin: germline. Inheritance: Unknown mechanism. Affected: yes.